The following is an entry in ClinVar:

ClinVar aggregate classification (germline): Benign/Likely benign. Review status: criteria provided, multiple submitters, no conflicts (2 of 4 stars). 2 submissions from 2 submitters: Benign (1); Likely benign (1). Last evaluated 2024-05-16.

Conditions:
Familial cancer of breast. Also called: Hereditary breast cancer; BREAST CANCER, FAMILIAL; hereditary breast carcinoma. Identifiers: Orphanet 227535, MedGen C0346153, MONDO:0016419, OMIM 114480. Disease mechanism: loss of function.
Ataxia-telangiectasia syndrome (AT). Also called: Ataxia-telangiectasia; Cerebello-oculocutaneous telangiectasia; Immunodeficiency with ataxia telangiectasia; ATAXIA-TELANGIECTASIA, COMPLEMENTATION GROUP A; ATAXIA-TELANGIECTASIA, FRESNO VARIANT; Ataxia-telangiectasia, complementation group D. Identifiers: Orphanet 100, MedGen C0004135, MONDO:0008840, OMIM 208900.

Submissions (2):

Myriad Genetics, Inc.
Classification: Benign for Familial cancer of breast. Last evaluated: 2024-05-16. Review status: criteria provided, single submitter. Criteria: Myriad Autosomal Dominant, Autosomal Recessive and X-Linked Classification Criteria (2023). Collection method: clinical testing. Allele origin: unknown.
Comment: This variant is considered benign. This variant is a silent/synonymous amino acid change and it is not expected to impact splicing.

Labcorp Genetics (formerly Invitae), Labcorp
Classification: Likely benign for Ataxia-telangiectasia syndrome. Last evaluated: 2016-09-14. Review status: criteria provided, single submitter. Criteria: Invitae Variant Classification Sherloc (09022015). Collection method: clinical testing. Allele origin: germline.

NM_000051.4(ATM):c.4173C>T (p.Ala1391=)

Gene: ATM (ATM serine/threonine kinase; plus strand). Cytogenetic location: 11q22.3.
Variant type: single nucleotide variant.
Coding change: c.4173C>T on transcript NM_000051.4 (MANE Select); coding-DNA position 4173, C replaced by T.
Protein change: p.Ala1391=; no amino-acid change (alanine 1391 retained).
Molecular consequence: synonymous variant.
Genome position (GRCh38, 1-based): chr11:108,289,040, C>T. VCF-style: chr11-108289040-C-T. GRCh37 (hg19) VCF-style: chr11-108159767-C-T.
Other names: c.4173C>T, p.Ala1391= (NM_001351834.2).
Identifiers: ClinVar variation 414563 (VCV000414563.9), dbSNP rs1060504284, ClinGen allele CA16613419.
Genomic context (GRCh38, chr11:108,289,040, plus strand): 5'-TTTGGATCCTGCTCCTAATCCACCTCATTTTCCATCGCATGTGATTAAAGCAACATTTGC[C>T]TATATCAGCAATTGTCATAAAACCAAGTTAAAAAGCATTTTAGAAATTCTTTCCAAAAGC-3'
Protein context (NP_000042.3, residues 1381-1401): FPSHVIKATF[Ala1391=]YISNCHKTKL